The following is an entry in ClinVar:

NM_001130987.2(DYSF):c.1204C>T (p.Arg402Trp)

Gene: DYSF (dysferlin; plus strand). Cytogenetic location: 2p13.2.
Variant type: single nucleotide variant.
Coding change: c.1204C>T on transcript NM_001130987.2 (MANE Select); coding-DNA position 1204, C replaced by T.
Protein change: p.Arg402Trp; replaces arginine 402 with tryptophan.
Molecular consequence: missense variant.
Genome position (GRCh38, 1-based): chr2:71,526,274, C>T. VCF-style: chr2-71526274-C-T. GRCh37 (hg19) VCF-style: chr2-71753404-C-T.
Other names: c.1111C>T, p.Arg371Trp (NM_001130455.2, NM_001130983.2, NM_001130984.2 and 1 more transcripts); c.1108C>T, p.Arg370Trp (NM_001130976.2, NM_001130977.2, NM_001130978.2 and 1 more transcripts); c.1201C>T, p.Arg401Trp (NM_001130979.2, NM_001130980.2, NM_001130981.2); c.1204C>T, p.Arg402Trp (NM_001130982.2, NM_001130985.2); c.1108C>T (NM_003494.3); short protein forms R370W, R402W, R371W, R401W.
Identifiers: ClinVar variation 2195633 (VCV002195633.3), dbSNP rs370775850, ClinGen allele CA1705648.

ClinVar aggregate classification (germline): Uncertain significance. Review status: criteria provided, multiple submitters, no conflicts (2 of 4 stars). 2 submissions from 2 submitters: Uncertain significance (2). Last evaluated 2025-08-28.

Conditions:
Neuromuscular disease caused by qualitative or quantitative defects of dysferlin. Also called: Dysferlinopathy; Qualitative or quantitative defects of dysferlin. Identifiers: Orphanet 207073, MedGen C2931687, MONDO:0016145.
Inborn genetic diseases. Identifiers: MedGen C0950123, MeSH D030342.

Allele frequency attached by ClinVar (database versions not stated): ExAC 0.00001; gnomAD 0.00001; TOPMed 0.00002; ESP Exome Variant Server 0.00008.
gnomAD v4.1: 15 of 1,614,128 alleles (0.00093%); highest among the groups gnomAD compares: South Asian, 0.0033%; no homozygotes.

Submissions (2):

Ambry Genetics
Classification: Uncertain significance for Inborn genetic diseases. Last evaluated: 2025-08-28. Review status: criteria provided, single submitter. Criteria: Ambry Variant Classification Scheme 2023. Collection method: clinical testing. Allele origin: germline.

Labcorp Genetics (formerly Invitae), Labcorp
Classification: Uncertain significance for Neuromuscular disease caused by qualitative or quantitative defects of dysferlin. Last evaluated: 2025-08-04. Review status: criteria provided, single submitter. Criteria: Invitae Variant Classification Sherloc (09022015). Collection method: clinical testing. Allele origin: germline.
Comment: This sequence change replaces arginine, which is basic and polar, with tryptophan, which is neutral and slightly polar, at codon 370 of the DYSF protein (p.Arg370Trp). This variant is present in population databases (rs370775850, gnomAD 0.002%). This variant has not been reported in the literature in individuals affected with DYSF-related conditions. ClinVar contains an entry for this variant (Variation ID: 2195633). Invitae Evidence Modeling of protein sequence and biophysical properties (such as structural, functional, and spatial information, amino acid conservation, physicochemical variation, residue mobility, and thermodynamic stability) indicates that this missense variant is not expected to disrupt DYSF protein function with a negative predictive value of 95%. In summary, the available evidence is currently insufficient to determine the role of this variant in disease. Therefore, it has been classified as a Variant of Uncertain Significance.